The following is an entry in ClinVar:

NM_000535.7(PMS2):c.803+6T>C

Gene: PMS2 (PMS1 homolog 2, mismatch repair system component; minus strand). Cytogenetic location: 7p22.1.
Variant type: single nucleotide variant.
Coding change: c.803+6T>C on transcript NM_000535.7 (MANE Select); 6 bases into the intron after coding-DNA position 803, T replaced by C.
Molecular consequence: intron variant.
Genome position (GRCh38, 1-based): chr7:5,997,320, A>G on the plus strand (T>C on the coding strand, the complement: PMS2 is on the minus strand). VCF-style: chr7-5997320-A-G. GRCh37 (hg19) VCF-style: chr7-6036951-A-G.
Other names: c.485+6T>C (NM_001322008.2, NM_001406902.1, NM_001406883.1 and 4 more transcripts); c.494+6T>C (NM_001406881.1, NM_001406879.1, NM_001322015.2 and 6 more transcripts); c.398+6T>C (NM_001406895.1, NM_001322010.2, NM_001322004.2 and 19 more transcripts); c.132+5133T>C (NM_001406911.1); c.290+6T>C (NM_001406904.1, NM_001406905.1); c.230+6T>C (NM_001322013.2, NM_001406909.1); c.-131+6T>C (NM_001322012.2, NM_001322011.2); c.467+6T>C (NM_001406885.1); and 7 more.
Identifiers: ClinVar variation 4720097 (VCV004720097.1).

ClinVar aggregate classification (germline): Uncertain significance (1 of 4 stars; one submission).

Conditions:
Hereditary nonpolyposis colorectal neoplasms. Identifiers: MedGen C0009405, MeSH D003123.

Submission:

Labcorp Genetics (formerly Invitae), Labcorp
Classification: Uncertain significance for Hereditary nonpolyposis colorectal neoplasms. Last evaluated: 2025-05-23. Review status: criteria provided, single submitter. Criteria: Invitae Variant Classification Sherloc (09022015). Collection method: clinical testing. Allele origin: germline.
Comment: This sequence change falls in intron 7 of the PMS2 gene. It does not directly change the encoded amino acid sequence of the PMS2 protein. It affects a nucleotide within the consensus splice site. This variant is not present in population databases (gnomAD no frequency). This variant has not been reported in the literature in individuals affected with PMS2-related conditions. Variants that disrupt the consensus splice site are a relatively common cause of aberrant splicing (PMID: 17576681, 9536098). Algorithms developed to predict the effect of sequence changes on RNA splicing suggest that this variant may disrupt the consensus splice site. In summary, the available evidence is currently insufficient to determine the role of this variant in disease. Therefore, it has been classified as a Variant of Uncertain Significance.

Literature cited by the submitters: PubMed 17576681; PubMed 9536098.